The following is an entry in ClinVar:

ClinVar aggregate classification (germline): Uncertain significance (1 of 4 stars; one submission).

gnomAD v4.1: 1 of 1,612,808 alleles (0.000062%); highest among the groups gnomAD compares: South Asian, 0.0011%; no homozygotes.

Submission:

Labcorp Genetics (formerly Invitae), Labcorp
Classification: Uncertain significance. Last evaluated: 2024-01-02. Review status: criteria provided, single submitter. Criteria: Invitae Variant Classification Sherloc (09022015). Collection method: clinical testing. Allele origin: germline.
Comment: This sequence change replaces cysteine, which is neutral and slightly polar, with serine, which is neutral and polar, at codon 908 of the AP3D1 protein (p.Cys908Ser). This variant is not present in population databases (gnomAD no frequency). This variant has not been reported in the literature in individuals affected with AP3D1-related conditions. ClinVar contains an entry for this variant (Variation ID: 2114444). Algorithms developed to predict the effect of missense changes on protein structure and function output the following: SIFT: "Not Available"; PolyPhen-2: "Benign"; Align-GVGD: "Not Available". The serine amino acid residue is found in multiple mammalian species, which suggests that this missense change does not adversely affect protein function. In summary, the available evidence is currently insufficient to determine the role of this variant in disease. Therefore, it has been classified as a Variant of Uncertain Significance.

NM_001261826.3(AP3D1):c.2722T>A (p.Cys908Ser)

Gene: AP3D1 (adaptor related protein complex 3 subunit delta 1; minus strand). Cytogenetic location: 19p13.3.
Variant type: single nucleotide variant.
Coding change: c.2722T>A on transcript NM_001261826.3 (MANE Select); coding-DNA position 2722, T replaced by A.
Protein change: p.Cys908Ser; replaces cysteine 908 with serine.
Molecular consequence: missense variant. On other transcripts: intron variant (1).
Genome position (GRCh38, 1-based): chr19:2,112,925, A>T on the plus strand (T>A on the coding strand, the complement: AP3D1 is on the minus strand). VCF-style: chr19-2112925-A-T. GRCh37 (hg19) VCF-style: chr19-2112924-A-T.
Other names: c.2686T>A, p.Cys896Ser (NM_001374799.1); c.2602-1097T>A (NM_003938.8); short protein forms C896S, C908S.
Identifiers: ClinVar variation 2114444 (VCV002114444.4), dbSNP rs1311203256, ClinGen allele CA403206211.
Genomic context (GRCh38, chr19:2,112,925, plus strand): 5'-CCTGGTCTTGCCCCTCGGCATCGTCCTCCTCGCCCTGCGCCTCCGTCTTGGCGTCCTCAC[A>T]CTCGTCCTTCGGGGTAGTGACAGTGTTCACACTGAGCTCCCCCTGCAGGGAGCCAGGGCT-3'
Protein context (NP_001248755.1, residues 898-918): VNTVTTPKDE[Cys908Ser]EDAKTEAQGE